The following is an entry in ClinVar:

NM_025219.3(DNAJC5):c.-11-9T>C

Gene: DNAJC5 (DnaJ heat shock protein family (Hsp40) member C5; plus strand). Cytogenetic location: 20q13.33.
Variant type: single nucleotide variant.
Coding change: c.-11-9T>C on transcript NM_025219.3 (MANE Select); 9 bases into the intron before 11 bases upstream of the start codon, T replaced by C.
Molecular consequence: intron variant.
Genome position (GRCh38, 1-based): chr20:63,928,326, T>C. VCF-style: chr20-63928326-T-C. GRCh37 (hg19) VCF-style: chr20-62559679-T-C.
Identifiers: ClinVar variation 509567 (VCV000509567.1), dbSNP rs1555879884, ClinGen allele CA658799403.

ClinVar aggregate classification (germline): Likely benign (1 of 4 stars; one submission).

Submission:

GeneDx
Classification: Likely benign. Last evaluated: 2017-05-16. Review status: criteria provided, single submitter. Criteria: GeneDx Variant Classification (06012015). Collection method: clinical testing. Allele origin: germline. Affected: yes.
Comment: This variant is considered likely benign or benign based on one or more of the following criteria: it is a conservative change, it occurs at a poorly conserved position in the protein, it is predicted to be benign by multiple in silico algorithms, and/or has population frequency not consistent with disease.